The following is an entry in ClinVar:

NM_000264.5(PTCH1):c.1847+1G>A

Genes: PTCH1 (patched 1; minus strand), LOC100507346 (uncharacterized LOC100507346; plus strand). Cytogenetic location: 9q22.32.
Variant type: single nucleotide variant.
Coding change: c.1847+1G>A on transcript NM_000264.5 (MANE Select); the canonical splice donor site of the intron after coding-DNA position 1847, G replaced by A.
Molecular consequence: splice donor variant. On other transcripts: non-coding transcript variant (1).
Genome position (GRCh38, 1-based): chr9:95,469,812, C>T on the plus strand (G>A on the coding strand, the complement: PTCH1 is on the minus strand). VCF-style: chr9-95469812-C-T. GRCh37 (hg19) VCF-style: chr9-98232094-C-T.
Other names: c.1844+1G>A (NM_001083603.3); c.1649+1G>A (NM_001083602.3); c.1691+1G>A (NM_001354918.2); c.1394+1G>A (NM_001083605.3, NM_001083604.3, NM_001083606.3 and 1 more transcripts).
Identifiers: ClinVar variation 851100 (VCV000851100.8), dbSNP rs1840398430, ClinGen allele CA374116210.

ClinVar aggregate classification (germline): Pathogenic (1 of 4 stars; one submission).

Conditions:
Gorlin syndrome. Also called: Nevoid Basal Cell Carcinoma Syndrome; Basal cell nevus syndrome. Identifiers: Orphanet 377, MedGen C0004779, MONDO:0007187.

Submission:

Labcorp Genetics (formerly Invitae), Labcorp
Classification: Pathogenic for Gorlin syndrome. Last evaluated: 2024-06-30. Review status: criteria provided, single submitter. Criteria: Invitae Variant Classification Sherloc (09022015). Collection method: clinical testing. Allele origin: germline.
Comment: This sequence change affects a donor splice site in intron 13 of the PTCH1 gene. RNA analysis indicates that disruption of this splice site induces altered splicing and may result in an absent or disrupted protein product. This variant is not present in population databases (gnomAD no frequency). Disruption of this splice site has been observed in individual(s) with clinical features of nevoid basal cell carcinoma syndrome (PMID: 27561271; Invitae). ClinVar contains an entry for this variant (Variation ID: 851100). Studies have shown that disruption of this splice site results in skipping of exon 13 and introduces a premature termination codon (PMID: 27561271). The resulting mRNA is expected to undergo nonsense-mediated decay. For these reasons, this variant has been classified as Pathogenic.

Literature cited by the submitters: PubMed 27561271.